The following is an entry in ClinVar:

ClinVar aggregate classification (germline): Uncertain significance (1 of 4 stars; one submission).

Conditions:
Combined immunodeficiency due to DOCK8 deficiency (HIES2). Also called: HIES autosomal recessive; HYPER-IgE RECURRENT INFECTION SYNDROME 2, AUTOSOMAL RECESSIVE; Hyper-IgE recurrent infection syndrome, autosomal recessive; HYPER-IgE SYNDROME 2, AUTOSOMAL RECESSIVE, WITH RECURRENT INFECTIONS; DOCK8 Deficiency. Identifiers: Orphanet 217390, MedGen C4722305, MONDO:0009478, OMIM 243700.

gnomAD v4.1: 2 of 1,614,130 alleles (0.00012%); highest among the groups gnomAD compares: Non-Finnish European, 0.00017%; no homozygotes.

Submission:

Labcorp Genetics (formerly Invitae), Labcorp
Classification: Uncertain significance for Combined immunodeficiency due to DOCK8 deficiency. Last evaluated: 2024-10-12. Review status: criteria provided, single submitter. Criteria: Invitae Variant Classification Sherloc (09022015). Collection method: clinical testing. Allele origin: germline.
Comment: This sequence change replaces glycine, which is neutral and non-polar, with arginine, which is basic and polar, at codon 591 of the DOCK8 protein (p.Gly591Arg). This variant is not present in population databases (gnomAD no frequency). This variant has not been reported in the literature in individuals affected with DOCK8-related conditions. Invitae Evidence Modeling of protein sequence and biophysical properties (such as structural, functional, and spatial information, amino acid conservation, physicochemical variation, residue mobility, and thermodynamic stability) indicates that this missense variant is expected to disrupt DOCK8 protein function with a positive predictive value of 80%. In summary, the available evidence is currently insufficient to determine the role of this variant in disease. Therefore, it has been classified as a Variant of Uncertain Significance.

NM_203447.4(DOCK8):c.1771G>A (p.Gly591Arg)

Gene: DOCK8 (dedicator of cytokinesis 8; plus strand). Cytogenetic location: 9p24.3.
Variant type: single nucleotide variant.
Coding change: c.1771G>A on transcript NM_203447.4 (MANE Select); coding-DNA position 1771, G replaced by A.
Protein change: p.Gly591Arg; replaces glycine 591 with arginine.
Molecular consequence: missense variant.
Genome position (GRCh38, 1-based): chr9:368,109, G>A. VCF-style: chr9-368109-G-A. GRCh37 (hg19) VCF-style: chr9-368109-G-A.
Other names: c.1567G>A, p.Gly523Arg (NM_001190458.2, NM_001193536.2); short protein forms G523R, G591R.
Identifiers: ClinVar variation 3621987 (VCV003621987.2).